The following is an entry in ClinVar:

NM_003924.4(PHOX2B):c.552C>T (p.Ser184=)

Gene: PHOX2B (paired like homeobox 2B; minus strand). Cytogenetic location: 4p13.
Variant type: single nucleotide variant.
Coding change: c.552C>T on transcript NM_003924.4 (MANE Select); coding-DNA position 552, C replaced by T.
Protein change: p.Ser184=; no amino-acid change (serine 184 retained).
Molecular consequence: synonymous variant.
Genome position (GRCh38, 1-based): chr4:41,746,200, G>A on the plus strand (C>T on the coding strand, the complement: PHOX2B is on the minus strand). VCF-style: chr4-41746200-G-A. GRCh37 (hg19) VCF-style: chr4-41748217-G-A.
Other names: p.Ser184=.
Identifiers: ClinVar variation 227015 (VCV000227015.61), dbSNP rs17885216, ClinGen allele CA2901479.

ClinVar aggregate classification (germline): Benign/Likely benign. Review status: criteria provided, multiple submitters, no conflicts (2 of 4 stars). 17 submissions from 15 submitters: Benign (13); Likely benign (2). 2 of the submissions do not count toward it. Last evaluated 2026-09-01.

Conditions:
Central hypoventilation syndrome, congenital, 1, with or without Hirschsprung disease (CCHS1). Also called: Congenital Central Hypoventilation Syndrome (CCHS); AUTONOMIC CONTROL, CONGENITAL FAILURE OF; ONDINE CURSE, CONGENITAL; CENTRAL HYPOVENTILATION SYNDROME, CONGENITAL, 1; Central hypoventilation syndrome, congenital, 1, with or without Hirschsprung. Identifiers: Orphanet 661, MedGen C5562075, MONDO:0800026, OMIM 209880.
Hereditary cancer-predisposing syndrome. Also called: Tumor predisposition; Hereditary neoplastic syndrome; Neoplastic Syndromes, Hereditary; Hereditary Cancer Syndrome. Identifiers: Orphanet 140162, MedGen C0027672, MeSH D009386, MONDO:0015356.
Haddad syndrome (OHD). Also called: Ondine-Hirschsprung disease. Identifiers: Orphanet 99803, MedGen C1859049, MONDO:0020493.
Neuroblastoma, susceptibility to, 2. Identifiers: Orphanet 635, MedGen C2751682, MONDO:0700041, OMIM 613013.
Congenital central hypoventilation. Also called: Congenital Central Hypoventilation Syndrome. Identifiers: Orphanet 661, Orphanet 99803, MedGen C1275808, MONDO:0800031. Disease mechanism: gain of function.

Allele frequency attached by ClinVar (database versions not stated): 1000 Genomes Project 30x 0.00828; gnomAD exomes 0.00848 and 0.01132; ExAC 0.00853; 1000 Genomes Project 0.00859; gnomAD 0.01003 and 0.01029; TOPMed 0.01116; ESP Exome Variant Server 0.01223.
gnomAD v4.1: 18,048 of 1,613,744 alleles (1.1%); highest among the groups gnomAD compares: Non-Finnish European, 1.3%; 125 homozygotes.

Submissions (17):

CeGaT Center for Human Genetics Tuebingen
Classification: Benign. Last evaluated: 2026-09-01. Review status: criteria provided, single submitter. Criteria: CeGaT Center For Human Genetics Tuebingen Variant Classification Criteria Version 2. Collection method: clinical testing. Allele origin: germline. Affected: yes. Observed: 93 variant alleles.
Comment: PHOX2B: BP4, BP7, BS1, BS2

Labcorp Genetics (formerly Invitae), Labcorp
Classification: Benign for Haddad syndrome. Last evaluated: 2026-02-02. Review status: criteria provided, single submitter. Criteria: Invitae Variant Classification Sherloc (09022015). Collection method: clinical testing. Allele origin: germline.

Mayo Clinic Laboratories, Mayo Clinic
Classification: Likely benign. Last evaluated: 2025-08-27. Review status: criteria provided, single submitter. Criteria: ACMG Guidelines, 2015. Collection method: clinical testing. Allele origin: germline. Observed: 9 variant alleles.
Comment: BS1, BP4, BP5, BP7

KCCC/NGS Laboratory, Kuwait Cancer Control Center
Classification: Benign for Central hypoventilation syndrome, congenital, 1, with or without Hirschsprung disease. Last evaluated: 2025-02-01. Review status: criteria provided, single submitter. Criteria: ACMG Guidelines, 2015. Collection method: clinical testing. Allele origin: germline. Affected: no.

Blueprint Genetics
Classification: Likely benign. Last evaluated: 2024-11-25. Review status: criteria provided, single submitter. Criteria: ACMG Guidelines, 2015. Collection method: clinical testing. Allele origin: germline.

ARUP Laboratories, Molecular Genetics and Genomics, ARUP Laboratories
Classification: Benign. Last evaluated: 2023-10-26. Review status: criteria provided, single submitter. Criteria: ARUP Molecular Germline Variant Investigation Process 2024. Collection method: clinical testing. Allele origin: germline.

KCCC/NGS Laboratory, Kuwait Cancer Control Center
Classification: Benign for Neuroblastoma, susceptibility to, 2. Last evaluated: 2023-07-07. Review status: criteria provided, single submitter. Criteria: ACMG Guidelines, 2015. Collection method: clinical testing. Allele origin: germline. Affected: yes.

Ambry Genetics
Classification: Benign for Hereditary cancer-predisposing syndrome. Last evaluated: 2018-06-20. Review status: criteria provided, single submitter. Criteria: Ambry Variant Classification Scheme 2023. Collection method: clinical testing. Allele origin: germline.

Illumina Laboratory Services, Illumina
Classification: Benign for Central hypoventilation syndrome, congenital, 1, with or without Hirschsprung disease. Last evaluated: 2018-01-12. Review status: criteria provided, single submitter. Criteria: ICSL Variant Classification Criteria 13 December 2019. Collection method: clinical testing. Allele origin: germline.
Comment: This variant was observed in the ICSL laboratory as part of a predisposition screen in an ostensibly healthy population. It had not been previously curated by ICSL or reported in the Human Gene Mutation Database (HGMD: prior to June 1st, 2018), and was therefore a candidate for classification through an automated scoring system. Utilizing variant allele frequency, disease prevalence and penetrance estimates, and inheritance mode, an automated score was calculated to assess if this variant is too frequent to cause the disease. Based on the score and internal cut-off values, a variant classified as benign is not then subjected to further curation. The score for this variant resulted in a classification of benign for this disease.

Illumina Laboratory Services, Illumina
Classification: Benign for Neuroblastoma, susceptibility to, 2. Last evaluated: 2018-01-12. Review status: criteria provided, single submitter. Criteria: ICSL Variant Classification Criteria 13 December 2019. Collection method: clinical testing. Allele origin: germline.
Comment: the same text as in the submission from Illumina Laboratory Services, Illumina above.

GeneDx
Classification: Benign. Last evaluated: 2017-11-30. Review status: criteria provided, single submitter. Criteria: GeneDx Variant Classification (06012015). Collection method: clinical testing. Allele origin: germline. Affected: yes.
Comment: This variant is considered likely benign or benign based on one or more of the following criteria: it is a conservative change, it occurs at a poorly conserved position in the protein, it is predicted to be benign by multiple in silico algorithms, and/or has population frequency not consistent with disease.

Women's Health and Genetics/Laboratory Corporation of America, LabCorp
Classification: Benign. Last evaluated: 2016-05-17. Review status: criteria provided, single submitter. Criteria: LabCorp Variant Classification Summary - May 2015. Collection method: clinical testing. Allele origin: germline.
Comment: Variant summary: The PHOX2B c.552C>T (p.Ser184Ser) variant involves the alteration of a conserved nucleotide, resulting in a synonymous change. One in silico tool predicts a damaging outcome for this variant. 5/5 splice prediction tools predict no significant impact on normal splicing. ESE finder predicts that this variant may create a novel ESE site of SF2/ASF. However, these predictions have yet to be confirmed by functional studies. This variant was found in 1028/120536 control chromosomes (4 homozygotes) at a frequency of 0.0085286, which is approximately 10234 times the estimated maximal expected allele frequency of a pathogenic PHOX2B variant (0.0000008), suggesting this variant is likely a benign polymorphism. The variant of interest has not, to our knowledge, been reported in affected individuals via publications and/or reputable databases/clinical diagnostic laboratories; nor evaluated for functional impact by in vivo/vitro studies. Taken together, this variant is classified as benign.

Laboratory for Molecular Medicine, Mass General Brigham Personalized Medicine
Classification: Benign. Last evaluated: 2016-01-29. Review status: criteria provided, single submitter. Criteria: LMM Criteria. Collection method: clinical testing. Allele origin: germline. Observed: 2 variant alleles.
Comment: p.Ser184Ser in exon 3 of PHOX2B: This variant is not expected to have clinical s ignificance because it does not alter an amino acid residue and is not located w ithin the splice consensus sequence. It has been identified in 1.2% (765/66160) of European chromosomes, including 1 homozygote by the Exome Aggregation Consort ium (ExAC; dbSNP rs17885216).

Breakthrough Genomics
Classification: Benign. Review status: criteria provided, single submitter. Criteria: ACMG Guidelines, 2015. Collection method: not provided. Allele origin: germline. Inheritance: Autosomal dominant inheritance. Affected: yes.

PreventionGenetics, part of Exact Sciences
Classification: Benign. Review status: criteria provided, single submitter. Criteria: ACMG Guidelines, 2015. Collection method: clinical testing. Allele origin: germline.

Genome Diagnostics Laboratory, Amsterdam University Medical Center
Classification: Benign. Review status: no assertion criteria provided. Collection method: clinical testing. Allele origin: germline. Affected: yes. Study: VKGL Data-share Consensus. Not counted in ClinVar's aggregate classification.

Laboratory of Diagnostic Genome Analysis, Leiden University Medical Center (LUMC)
Classification: Likely benign. Review status: no assertion criteria provided. Collection method: clinical testing. Allele origin: germline. Affected: yes. Study: VKGL Data-share Consensus. Not counted in ClinVar's aggregate classification.

Literature cited by the submitters: PubMed 15121777 (cited by Mayo Clinic Laboratories, Mayo Clinic and Laboratory for Molecular Medicine, Mass General Brigham Personalized Medicine); PubMed 15338462 (cited by Mayo Clinic Laboratories, Mayo Clinic and Laboratory for Molecular Medicine, Mass General Brigham Personalized Medicine); PubMed 16763219 (cited by Mayo Clinic Laboratories, Mayo Clinic and Laboratory for Molecular Medicine, Mass General Brigham Personalized Medicine); PubMed 17637745 (cited by Mayo Clinic Laboratories, Mayo Clinic and Laboratory for Molecular Medicine, Mass General Brigham Personalized Medicine); PubMed 17765533 (cited by Mayo Clinic Laboratories, Mayo Clinic and Laboratory for Molecular Medicine, Mass General Brigham Personalized Medicine).